The following is an entry in ClinVar:

NM_001655.5(ARCN1):c.1241+9T>C

Gene: ARCN1 (archain 1 coat protein complex I subunit delta; plus strand). Cytogenetic location: 11q23.3.
Variant type: single nucleotide variant.
Coding change: c.1241+9T>C on transcript NM_001655.5 (MANE Select); 9 bases into the intron after coding-DNA position 1241, T replaced by C.
Molecular consequence: intron variant.
Genome position (GRCh38, 1-based): chr11:118,593,707, T>C. VCF-style: chr11-118593707-T-C. GRCh37 (hg19) VCF-style: chr11-118464422-T-C.
Other names: c.1172+9T>C (NM_001425076.1); c.1241+9T>C (NM_001425073.1, NM_001425078.1); c.1076+9T>C (NM_001425077.1); c.1238+9T>C (NM_001425074.1, NM_001425079.1); c.1184+9T>C (NM_001425075.1); c.977+9T>C (NM_001142281.2, NM_001425081.1); c.797+9T>C (NM_001425080.1).
Identifiers: ClinVar variation 4882650 (VCV004882650.2).

ClinVar aggregate classification (germline): Uncertain significance (1 of 4 stars; one submission).

gnomAD v4.1: 1 of 1,572,820 alleles (0.000064%); highest among the groups gnomAD compares: South Asian, 0.0011%; no homozygotes.

Submission:

Dasa
Classification: Uncertain significance. Last evaluated: 2025-02-18. Review status: criteria provided, single submitter. Criteria: DASA Assertion Criteria. Collection method: clinical testing. Allele origin: germline.
Comment: NM_001655.5(ARCN1):c.1241+9T>C is a splice-region variant. This variant is rare in population databases. Computational prediction algorithms are consistent with a benign effect. The currently available literature and clinical evidence are not sufficient to establish a definitive association between this variant and the reported condition. Therefore, this variant is classified as a variant of uncertain significance.